The following is an entry in ClinVar:

ClinVar aggregate classification (germline): Likely benign (1 of 4 stars; one submission).

gnomAD v4.1: 15 of 1,613,976 alleles (0.00093%); highest among the groups gnomAD compares: Non-Finnish European, 0.0013%; no homozygotes.

Submission:

CeGaT Center for Human Genetics Tuebingen
Classification: Likely benign. Last evaluated: 2026-04-01. Review status: criteria provided, single submitter. Criteria: CeGaT Center For Human Genetics Tuebingen Variant Classification Criteria Version 2. Collection method: clinical testing. Allele origin: germline. Affected: yes. Observed: 1 variant allele.
Comment: MAP1B: BP4, BP7

NM_005909.5(MAP1B):c.5787T>C (p.Thr1929=)

Gene: MAP1B (microtubule associated protein 1B; plus strand). Cytogenetic location: 5q13.2.
Variant type: single nucleotide variant.
Coding change: c.5787T>C on transcript NM_005909.5 (MANE Select); coding-DNA position 5787, T replaced by C.
Protein change: p.Thr1929=; no amino-acid change (threonine 1929 retained).
Molecular consequence: synonymous variant.
Genome position (GRCh38, 1-based): chr5:72,199,142, T>C. VCF-style: chr5-72199142-T-C. GRCh37 (hg19) VCF-style: chr5-71494969-T-C.
Other names: c.5409T>C, p.Thr1803= (NM_001324255.2).
Identifiers: ClinVar variation 4873559 (VCV004873559.2).